The following is an entry in ClinVar:

NM_000432.4(MYL2):c.275-2A>G

Gene: MYL2 (myosin light chain 2; minus strand). Cytogenetic location: 12q24.11.
Variant type: single nucleotide variant.
Coding change: c.275-2A>G on transcript NM_000432.4 (MANE Select); the canonical splice acceptor site of the intron before coding-DNA position 275, A replaced by G.
Molecular consequence: splice acceptor variant.
Genome position (GRCh38, 1-based): chr12:110,913,326, T>C on the plus strand (A>G on the coding strand, the complement: MYL2 is on the minus strand). VCF-style: chr12-110913326-T-C. GRCh37 (hg19) VCF-style: chr12-111351130-T-C.
Other names: c.218-2A>G (NM_001406916.1); c.233-2A>G (NM_001406745.1).
Identifiers: ClinVar variation 1332156 (VCV001332156.8), dbSNP rs112557362, ClinGen allele CA041254.
Genomic context (GRCh38, chr12:110,913,326, plus strand): 5'-TTTGCCTTCAGGGTCAAACACTTTGAATGCGTTGAGAATGGTTTCCTCAGGGTCCGCTCC[T>C]GAAACGGAACACAGGGCTTACATGTACTGGGGGTGGCTGGGAACCACTGGCACCCCAGGC-3'

ClinVar aggregate classification (germline): Uncertain significance. Review status: criteria provided, multiple submitters, no conflicts (2 of 4 stars). 2 submissions from 2 submitters: Uncertain significance (2). Last evaluated 2024-10-06.

Conditions:
Cardiomyopathy (CMYO). Also called: Cardiomyopathies. Identifiers: Orphanet 167848, MedGen C0878544, MONDO:0004994, HP:0001638. Inheritance: Various modes of inheritance.
Hypertrophic cardiomyopathy 10. Also called: MYL2-Related Familial Hypertrophic Cardiomyopathy; CARDIOMYOPATHY, HYPERTROPHIC, MID-LEFT VENTRICULAR CHAMBER TYPE, 2. Identifiers: MedGen C1834460, MONDO:0012112, OMIM 608758.

Allele frequency attached by ClinVar (database versions not stated): gnomAD exomes below 0.00001 and 0.00001; TOPMed below 0.00001; ExAC 0.00001.

Submissions (2):

Labcorp Genetics (formerly Invitae), Labcorp
Classification: Uncertain significance for Hypertrophic cardiomyopathy 10. Last evaluated: 2024-10-06. Review status: criteria provided, single submitter. Criteria: Invitae Variant Classification Sherloc (09022015). Collection method: clinical testing. Allele origin: germline.
Comment: This sequence change affects an acceptor splice site in intron 4 of the MYL2 gene. It is expected to disrupt RNA splicing. Variants that disrupt the donor or acceptor splice site typically lead to a loss of protein function (PMID: 16199547), however the current clinical and genetic evidence is not sufficient to establish whether loss-of-function variants in MYL2 cause disease. This variant is present in population databases (rs112557362, gnomAD 0.003%). This variant has not been reported in the literature in individuals affected with MYL2-related conditions. ClinVar contains an entry for this variant (Variation ID: 1332156). Algorithms developed to predict the effect of sequence changes on RNA splicing suggest that this variant may disrupt the consensus splice site. In summary, the available evidence is currently insufficient to determine the role of this variant in disease. Therefore, it has been classified as a Variant of Uncertain Significance.

Color Diagnostics, LLC DBA Color Health
Classification: Uncertain significance for Cardiomyopathy. Last evaluated: 2021-03-01. Review status: criteria provided, single submitter. Criteria: ACMG Guidelines, 2015. Collection method: clinical testing. Allele origin: germline.
Comment: This variant causes an A to G nucleotide substitution at the -2 position of intron 4 of the MYL2 gene. Splice prediction tools suggest that this variant may disrupt RNA splicing. To our knowledge, functional studies have not been reported for this variant. This variant has not been reported in individuals affected with cardiovascular disorders in the literature. This variant has been identified in 1/251480 chromosomes in the general population by the Genome Aggregation Database (gnomAD). Clinical relevance of loss-of-function truncation and splice variants in the MYL2 gene is not clearly established. The available evidence is insufficient to determine the role of this variant in disease conclusively. Therefore, this variant is classified as a Variant of Uncertain Significance.

Literature cited by the submitters: PubMed 16199547 (cited by Labcorp Genetics (formerly Invitae), Labcorp).